The following is an entry in ClinVar:

NM_138927.4(SON):c.1361C>G (p.Pro454Arg)

Gene: SON (SON DNA and RNA binding protein; plus strand). Cytogenetic location: 21q22.11.
Variant type: single nucleotide variant.
Coding change: c.1361C>G on transcript NM_138927.4 (MANE Select); coding-DNA position 1361, C replaced by G.
Protein change: p.Pro454Arg; replaces proline 454 with arginine.
Molecular consequence: missense variant. On other transcripts: non-coding transcript variant (1), intron variant (1).
Genome position (GRCh38, 1-based): chr21:33,550,592, C>G. VCF-style: chr21-33550592-C-G. GRCh37 (hg19) VCF-style: chr21-34922898-C-G.
Other names: c.1361C>G (NM_138927.2, NM_138927.1); c.1361C>G, p.Pro454Arg (NM_001291411.2, NM_001412133.1, NM_032195.3 and 2 more transcripts); c.244+4213C>G (NM_001291412.3); short protein forms P454R.
Identifiers: ClinVar variation 2172544 (VCV002172544.7), dbSNP rs372024048, ClinGen allele CA10008882.

ClinVar aggregate classification (germline): Conflicting classifications of pathogenicity. Review status: criteria provided, conflicting classifications (1 of 4 stars). 3 submissions from 3 submitters: Uncertain significance (1); Likely benign (1). 1 of the submissions does not count toward it. Last evaluated 2025-06-04.

Conditions:
SON-related disorder. Also called: SON-related condition.
Inborn genetic diseases. Identifiers: MedGen C0950123, MeSH D030342.

Allele frequency attached by ClinVar (database versions not stated): gnomAD exomes 0.00001; ExAC 0.00006; gnomAD 0.00020; TOPMed 0.00021; ESP Exome Variant Server 0.00031.
gnomAD v4.1: 45 of 1,613,822 alleles (0.0028%); highest among the groups gnomAD compares: African/African-American, 0.059%; no homozygotes.

Submissions (3):

Labcorp Genetics (formerly Invitae), Labcorp
Classification: Uncertain significance. Last evaluated: 2025-06-04. Review status: criteria provided, single submitter. Criteria: Invitae Variant Classification Sherloc (09022015). Collection method: clinical testing. Allele origin: germline.
Comment: This sequence change replaces proline, which is neutral and non-polar, with arginine, which is basic and polar, at codon 454 of the SON protein (p.Pro454Arg). This variant is present in population databases (rs372024048, gnomAD 0.06%), and has an allele count higher than expected for a pathogenic variant. This variant has not been reported in the literature in individuals affected with SON-related conditions. ClinVar contains an entry for this variant (Variation ID: 2172544). An algorithm developed to predict the effect of missense changes on protein structure and function (PolyPhen-2) suggests that this variant is likely to be disruptive. In summary, the available evidence is currently insufficient to determine the role of this variant in disease. Therefore, it has been classified as a Variant of Uncertain Significance.

Ambry Genetics
Classification: Likely benign for Inborn genetic diseases. Last evaluated: 2021-08-09. Review status: criteria provided, single submitter. Criteria: Ambry Variant Classification Scheme 2023. Collection method: clinical testing. Allele origin: germline.

PreventionGenetics, part of Exact Sciences
Classification: Likely benign for SON-related condition. Last evaluated: 2023-05-25. Review status: no assertion criteria provided. Collection method: clinical testing. Allele origin: germline. Not counted in ClinVar's aggregate classification.
Comment: This variant is classified as likely benign based on ACMG/AMP sequence variant interpretation guidelines (Richards et al. 2015 PMID: 25741868, with internal and published modifications).